The following is an entry in ClinVar:

NM_000368.5(TSC1):c.1681A>G (p.Ser561Gly)

Gene: TSC1 (TSC complex subunit 1; minus strand). Cytogenetic location: 9q34.13.
Variant type: single nucleotide variant.
Coding change: c.1681A>G on transcript NM_000368.5 (MANE Select); coding-DNA position 1681, A replaced by G.
Protein change: p.Ser561Gly; replaces serine 561 with glycine.
Molecular consequence: missense variant.
Genome position (GRCh38, 1-based): chr9:132,905,897, T>C on the plus strand (A>G on the coding strand, the complement: TSC1 is on the minus strand). VCF-style: chr9-132905897-T-C. GRCh37 (hg19) VCF-style: chr9-135781284-T-C.
Other names: c.1678A>G, p.Ser560Gly (NM_001162426.2); c.1528A>G, p.Ser510Gly (NM_001162427.2); c.1318A>G, p.Ser440Gly (NM_001362177.2); short protein forms S561G, S510G, S440G, S560G.
Identifiers: ClinVar variation 946645 (VCV000946645.9), dbSNP rs1845635382, ClinGen allele CA375364250.
Genomic context (GRCh38, chr9:132,905,897, plus strand): 5'-AGATACTGGTCTCCAAAGAAGTCTGGCATTCCCTGTCTCCCGCAGGGCTTTCATCAGCAC[T>C]GCCGCAGGGCAGGTCTATGGGAGTAAAGGCTTGCTTTGGTGTGTCAGGCCCAAGCTTGTC-3'
Protein context (NP_000359.1, residues 551-571): AFTPIDLPCG[Ser561Gly]ADESPAGDRE

ClinVar aggregate classification (germline): Conflicting classifications of pathogenicity. Review status: criteria provided, conflicting classifications (1 of 4 stars). 3 submissions from 3 submitters: Uncertain significance (1); Likely benign (1). 1 of the submissions does not count toward it. Last evaluated 2025-08-04.

Conditions:
Hereditary cancer-predisposing syndrome. Also called: Neoplastic Syndromes, Hereditary; Hereditary neoplastic syndrome; Hereditary Cancer Syndrome; Tumor predisposition. Identifiers: Orphanet 140162, MedGen C0027672, MeSH D009386, MONDO:0015356.
TSC1-related disorder. Also called: TSC1-related condition.
Tuberous sclerosis 1 (TSC1). Identifiers: Orphanet 805, MedGen C1854465, MONDO:0008612, OMIM 191100.

Submissions (3):

Ambry Genetics
Classification: Likely benign for Hereditary cancer-predisposing syndrome. Last evaluated: 2025-08-04. Review status: criteria provided, single submitter. Criteria: Ambry Variant Classification Scheme 2023. Collection method: clinical testing. Allele origin: germline.

Labcorp Genetics (formerly Invitae), Labcorp
Classification: Uncertain significance for Tuberous sclerosis 1. Last evaluated: 2023-12-27. Review status: criteria provided, single submitter. Criteria: Invitae Variant Classification Sherloc (09022015). Collection method: clinical testing. Allele origin: germline.
Comment: This sequence change replaces serine, which is neutral and polar, with glycine, which is neutral and non-polar, at codon 561 of the TSC1 protein (p.Ser561Gly). This variant is not present in population databases (gnomAD no frequency). This variant has not been reported in the literature in individuals affected with TSC1-related conditions. ClinVar contains an entry for this variant (Variation ID: 946645). Advanced modeling of protein sequence and biophysical properties (such as structural, functional, and spatial information, amino acid conservation, physicochemical variation, residue mobility, and thermodynamic stability) performed at Invitae indicates that this missense variant is not expected to disrupt TSC1 protein function with a negative predictive value of 95%. In summary, the available evidence is currently insufficient to determine the role of this variant in disease. Therefore, it has been classified as a Variant of Uncertain Significance.

PreventionGenetics, part of Exact Sciences
Classification: Uncertain significance for TSC1-related condition. Last evaluated: 2024-06-13. Review status: no assertion criteria provided. Collection method: clinical testing. Allele origin: germline. Not counted in ClinVar's aggregate classification.
Comment: The TSC1 c.1681A>G variant is predicted to result in the amino acid substitution p.Ser561Gly. To our knowledge, this variant has not been reported in the literature or in a large population database, indicating this variant is rare. At this time, the clinical significance of this variant is uncertain due to the absence of conclusive functional and genetic evidence.